The following is an entry in ClinVar:

NM_024334.3(TMEM43):c.564C>T (p.Gly188=)

Gene: TMEM43 (transmembrane protein 43; plus strand). Cytogenetic location: 3p25.1.
Variant type: single nucleotide variant.
Coding change: c.564C>T on transcript NM_024334.3 (MANE Select); coding-DNA position 564, C replaced by T.
Protein change: p.Gly188=; no amino-acid change (glycine 188 retained).
Molecular consequence: synonymous variant.
Genome position (GRCh38, 1-based): chr3:14,133,790, C>T. VCF-style: chr3-14133790-C-T. GRCh37 (hg19) VCF-style: chr3-14175290-C-T.
Identifiers: ClinVar variation 264054 (VCV000264054.30), dbSNP rs143124744, ClinGen allele CA054352.
Genomic context (GRCh38, chr3:14,133,790, plus strand): 5'-CTCCCACAGTGCCATGGCAGTGGAGTCATTCATGGCAACAGCCCCCTTTGTCCAAATTGG[C>T]AGGTTTTTCCTCTCGTCAGGTAAGTCTCAGGCCTCTCCAGAGGAGCTCGTGCCAGAAGCA-3'
Protein context (NP_077310.1, residues 178-198): FMATAPFVQI[Gly188=]RFFLSSGLID

ClinVar aggregate classification (germline): Conflicting classifications of pathogenicity. Review status: criteria provided, conflicting classifications (1 of 4 stars). 9 submissions from 9 submitters: Uncertain significance (1); Likely benign (7). 1 of the submissions does not count toward it. Last evaluated 2026-01-27.

Conditions:
TMEM43-related disorder. Also called: TMEM43-related condition.
Cardiovascular phenotype. Identifiers: MedGen CN230736.
Cardiomyopathy (CMYO). Also called: Cardiomyopathies. Identifiers: Orphanet 167848, MedGen C0878544, MONDO:0004994, HP:0001638. Inheritance: Various modes of inheritance.
Arrhythmogenic right ventricular dysplasia 5. Also called: ARRHYTHMOGENIC RIGHT VENTRICULAR DYSPLASIA, FAMILIAL, 5; Arrhythmogenic Right Ventricular Dysplasia/Cardiomyopathy 5. Identifiers: MedGen C1858379, MONDO:0011459, OMIM 604400.

Allele frequency attached by ClinVar (database versions not stated): gnomAD exomes 0.00003 and 0.00005; ExAC 0.00005; 1000 Genomes Project 0.00020; gnomAD 0.00022 and 0.00024; ESP Exome Variant Server 0.00023; TOPMed 0.00025; 1000 Genomes Project 30x 0.00031.
gnomAD v4.1: 73 of 1,614,184 alleles (0.0045%); highest among the groups gnomAD compares: African/African-American, 0.093%; 1 homozygote.

Submissions (10):

Labcorp Genetics (formerly Invitae), Labcorp
Classification: Likely benign for Arrhythmogenic right ventricular dysplasia 5. Last evaluated: 2026-01-27. Review status: criteria provided, single submitter. Criteria: Invitae Variant Classification Sherloc (09022015). Collection method: clinical testing. Allele origin: germline.

Molecular Diagnostic Laboratory for Inherited Cardiovascular Disease, Montreal Heart Institute
Classification: Likely benign. Last evaluated: 2025-04-09. Review status: criteria provided, single submitter. Criteria: ACMG Guidelines, 2015. Collection method: clinical testing. Allele origin: germline. Affected: no.

Blueprint Genetics
Classification: Likely benign. Last evaluated: 2023-10-02. Review status: criteria provided, single submitter. Criteria: ACMG Guidelines, 2015. Collection method: clinical testing. Allele origin: germline.

Women's Health and Genetics/Laboratory Corporation of America, LabCorp
Classification: Likely benign. Last evaluated: 2023-01-16. Review status: criteria provided, single submitter. Criteria: LabCorp Variant Classification Summary - May 2015. Collection method: clinical testing. Allele origin: germline.
Comment: Variant summary: TMEM43 c.564C>T alters a conserved nucleotide resulting in a synonymous change. Several computational tools predict a significant impact on normal splicing: Four predict the variant creates/strengthens a cryptic 5' donor site and also predict the variant weakens/abolishes a cryptic 3' acceptor site. However, these predictions have yet to be confirmed by functional studies. The variant allele was found at a frequency of 5.2e-05 in 251472 control chromosomes, found exclusively within the African or African-American subpopulation at a frequency of 0.0008 in the gnomAD database. The observed variant frequency within African or African-American control individuals in the gnomAD database is approximately 96 fold of the estimated maximal expected allele frequency for a pathogenic variant in TMEM43 causing Arrhythmogenic Right Ventricular Dysplasia/Cardiomyopathy phenotype (8.3e-06), suggesting that the variant is a benign polymorphism found primarily in populations of African or African-American origin. To our knowledge, no occurrence of c.564C>T in individuals affected with Arrhythmogenic Right Ventricular Dysplasia/Cardiomyopathy and no experimental evidence demonstrating its impact on protein function have been reported. Four clinical diagnostic laboratories have submitted clinical-significance assessments for this variant to ClinVar after 2014 and classified the variant as either likely benign (n=3) or VUS (n=3). Based on the evidence outlined above, the variant was classified as likely benign until further evidence is available to determine the variant effect on normal splicing and function.

GeneDx
Classification: Uncertain significance. Last evaluated: 2021-09-10. Review status: criteria provided, single submitter. Criteria: GeneDx Variant Classification Process June 2021. Collection method: clinical testing. Allele origin: germline. Affected: yes.
Comment: Has not been previously published as pathogenic or benign to our knowledge; In silico analysis supports a deleterious effect on splicing; Reported in ClinVar (ClinVar Variant ID# 264054; Landrum et al., 2016); This variant is associated with the following publications: (PMID: 26582918)

Color Diagnostics, LLC DBA Color Health
Classification: Likely benign for Cardiomyopathy. Last evaluated: 2018-12-01. Review status: criteria provided, single submitter. Criteria: ACMG Guidelines, 2015. Collection method: clinical testing. Allele origin: germline.

Ambry Genetics
Classification: Likely benign for Cardiovascular phenotype. Last evaluated: 2015-05-27. Review status: criteria provided, single submitter. Criteria: Ambry Variant Classification Scheme 2023. Collection method: clinical testing. Allele origin: germline.

Laboratory for Molecular Medicine, Mass General Brigham Personalized Medicine
Classification: Likely benign. Last evaluated: 2012-03-19. Review status: criteria provided, single submitter. Criteria: LMM Criteria. Collection method: clinical testing. Allele origin: germline. Observed: 1 variant allele.
Comment: p.Gly188Gly in Exon 07 of TMEM43: This variant is not expected to have clinical significance because it does not alter an amino acid residue, is not located wit hin the splice consensus sequence. It has been identified in 0.1% (3/3738) of Af rican American chromosomes from a broad population by the NHLBI Exome Sequencing Project (dbSNP rs143124744).

PreventionGenetics, part of Exact Sciences
Classification: Likely benign for TMEM43-related condition. Last evaluated: 2023-03-14. Review status: no assertion criteria provided. Collection method: clinical testing. Allele origin: germline. Not counted in ClinVar's aggregate classification.
Comment: This variant is classified as likely benign based on ACMG/AMP sequence variant interpretation guidelines (Richards et al. 2015 PMID: 25741868, with internal and published modifications).

Dr. Peter K. Rogan Lab, Western University
No classification provided (evidence only). Condition: Cervical cancer. Review status: no classification provided. Collection method: in vitro. Allele origin: not applicable. Functional consequence: cryptic splice site, retained intron. Not counted in ClinVar's aggregate classification.